The following is an entry in ClinVar:

NM_001130438.3(SPTAN1):c.4184T>C (p.Phe1395Ser)

Gene: SPTAN1 (spectrin alpha, non-erythrocytic 1; plus strand). Cytogenetic location: 9q34.11.
Variant type: single nucleotide variant.
Coding change: c.4184T>C on transcript NM_001130438.3 (MANE Select); coding-DNA position 4184, T replaced by C.
Protein change: p.Phe1395Ser; replaces phenylalanine 1395 with serine.
Molecular consequence: missense variant.
Genome position (GRCh38, 1-based): chr9:128,607,889, T>C. VCF-style: chr9-128607889-T-C. GRCh37 (hg19) VCF-style: chr9-131370168-T-C.
Other names: c.4124T>C, p.Phe1375Ser (NM_001195532.2, NM_001363765.2, NM_001375314.2); c.4184T>C, p.Phe1395Ser (NM_001363759.2, NM_001375310.1, NM_001375311.2 and 2 more transcripts); c.4220T>C, p.Phe1407Ser (NM_001375312.2, NM_001375318.1); c.4184T>C (NM_001130438.2); short protein forms F1375S, F1407S, F1395S.
Identifiers: ClinVar variation 1395174 (VCV001395174.9), dbSNP rs1239390443, ClinGen allele CA375066278.

ClinVar aggregate classification (germline): Uncertain significance. Review status: criteria provided, multiple submitters, no conflicts (2 of 4 stars). 3 submissions from 3 submitters: Uncertain significance (3). Last evaluated 2026-07-02.

Conditions:
Early-infantile DEE. Also called: Early infantile epileptic encephalopathy with suppression bursts; Early infantile epileptic encephalopathy; Ohtahara syndrome. Identifiers: Orphanet 1934, MedGen C0393706, MONDO:0800491.
Inborn genetic diseases. Identifiers: MedGen C0950123, MeSH D030342.

gnomAD v4.1: 1 of 1,613,972 alleles (0.000062%); highest among the groups gnomAD compares: African/African-American, 0.0013%; no homozygotes.

Submissions (3):

Ambry Genetics
Classification: Uncertain significance for Inborn genetic diseases. Last evaluated: 2026-07-02. Review status: criteria provided, single submitter. Criteria: Ambry Variant Classification Scheme 2023. Collection method: clinical testing. Allele origin: germline.

GeneDx
Classification: Uncertain significance. Last evaluated: 2024-02-14. Review status: criteria provided, single submitter. Criteria: GeneDx Variant Classification Process June 2021. Collection method: clinical testing. Allele origin: germline. Affected: yes.
Comment: Not observed at significant frequency in large population cohorts (gnomAD); In silico analysis supports that this missense variant has a deleterious effect on protein structure/function; Missense variant in a gene in which most reported pathogenic variants are truncating/loss of function; Has not been previously published as pathogenic or benign to our knowledge

Labcorp Genetics (formerly Invitae), Labcorp
Classification: Uncertain significance for Early-infantile DEE. Last evaluated: 2023-09-22. Review status: criteria provided, single submitter. Criteria: Invitae Variant Classification Sherloc (09022015). Collection method: clinical testing. Allele origin: germline.
Comment: In summary, the available evidence is currently insufficient to determine the role of this variant in disease. Therefore, it has been classified as a Variant of Uncertain Significance. Advanced modeling of protein sequence and biophysical properties (such as structural, functional, and spatial information, amino acid conservation, physicochemical variation, residue mobility, and thermodynamic stability) has been performed at Invitae for this missense variant, however the output from this modeling did not meet the statistical confidence thresholds required to predict the impact of this variant on SPTAN1 protein function. ClinVar contains an entry for this variant (Variation ID: 1395174). This variant has not been reported in the literature in individuals affected with SPTAN1-related conditions. This variant is not present in population databases (gnomAD no frequency). This sequence change replaces phenylalanine, which is neutral and non-polar, with serine, which is neutral and polar, at codon 1395 of the SPTAN1 protein (p.Phe1395Ser).